The following is an entry in ClinVar:

ClinVar aggregate classification (germline): Uncertain significance (1 of 4 stars; one submission).

Conditions:
Primary ciliary dyskinesia. Also called: Ciliary dyskinesia. Identifiers: Orphanet 244, MedGen C0008780, MONDO:0016575, HP:0012265.

Allele frequency attached by ClinVar (database versions not stated): gnomAD exomes below 0.00001.
gnomAD v4.1: 3 of 1,608,054 alleles (0.00019%); highest among the groups gnomAD compares: Non-Finnish European, 0.00025%; no homozygotes.

Submission:

Labcorp Genetics (formerly Invitae), Labcorp
Classification: Uncertain significance for Primary ciliary dyskinesia. Last evaluated: 2018-04-19. Review status: criteria provided, single submitter. Criteria: Invitae Variant Classification Sherloc (09022015). Collection method: clinical testing. Allele origin: germline.
Comment: In summary, the available evidence is currently insufficient to determine the role of this variant in disease. Therefore, it has been classified as a Variant of Uncertain Significance. This sequence change replaces alanine with threonine at codon 4511 of the DNAH11 protein (p.Ala4511Thr). The alanine residue is moderately conserved and there is a small physicochemical difference between alanine and threonine. This variant is not present in population databases (ExAC no frequency). This variant has not been reported in the literature in individuals with DNAH11-related disease. Algorithms developed to predict the effect of missense changes on protein structure and function do not agree on the potential impact of this missense change (SIFT: "Deleterious"; PolyPhen-2: "Probably Damaging"; Align-GVGD: "Class C0").

NM_001277115.2(DNAH11):c.13531G>A (p.Ala4511Thr)

Genes: CDCA7L (cell division cycle associated 7 like; minus strand), DNAH11 (dynein axonemal heavy chain 11; plus strand). Cytogenetic location: 7p15.3.
Variant type: single nucleotide variant.
Coding change: c.13531G>A on transcript NM_001277115.2 (MANE Select); coding-DNA position 13531, G replaced by A.
Protein change: p.Ala4511Thr; replaces alanine 4511 with threonine.
Molecular consequence: missense variant. On other transcripts: 3 prime UTR variant (3).
Genome position (GRCh38, 1-based): chr7:21,901,234, G>A. VCF-style: chr7-21901234-G-A. GRCh37 (hg19) VCF-style: chr7-21940852-G-A.
Other names: c.*1088C>T (NM_001127370.3, NM_001127371.3, NM_018719.5); short protein forms A4511T.
Identifiers: ClinVar variation 573699 (VCV000573699.7), dbSNP rs1562614917, ClinGen allele CA366957265.